The following is an entry in ClinVar:

ClinVar aggregate classification (germline): Uncertain significance (1 of 4 stars; one submission).

gnomAD v4.1: 6 of 1,614,096 alleles (0.00037%); highest among the groups gnomAD compares: East Asian, 0.013%; no homozygotes.

Submission:

Ambry Genetics
Classification: Uncertain significance. Last evaluated: 2025-03-27. Review status: criteria provided, single submitter. Criteria: Ambry Variant Classification Scheme 2023. Collection method: clinical testing. Allele origin: germline.
Comment: The p.Q15P variant (also known as c.44A>C), located in coding exon 1 of the GEN1 gene, results from an A to C substitution at nucleotide position 44. The glutamine at codon 15 is replaced by proline, an amino acid with similar properties. This amino acid position is conserved. In addition, this alteration is predicted to be tolerated by in silico analysis. Based on the available evidence, the clinical significance of this variant remains unclear.

NM_001130009.3(GEN1):c.44A>C (p.Gln15Pro)

Gene: GEN1 (GEN1 Holliday junction 5' flap endonuclease; plus strand). Cytogenetic location: 2p24.2.
Variant type: single nucleotide variant.
Coding change: c.44A>C on transcript NM_001130009.3 (MANE Select); coding-DNA position 44, A replaced by C.
Protein change: p.Gln15Pro; replaces glutamine 15 with proline.
Molecular consequence: missense variant.
Genome position (GRCh38, 1-based): chr2:17,759,987, A>C. VCF-style: chr2-17759987-A-C. GRCh37 (hg19) VCF-style: chr2-17941254-A-C.
Other names: c.44A>C, p.Gln15Pro (NM_182625.5); short protein forms Q15P.
Identifiers: ClinVar variation 4029166 (VCV004029166.1).